The following is an entry in ClinVar:

NM_173500.4(TTBK2):c.835G>A (p.Val279Met)

Gene: TTBK2 (tau tubulin kinase 2; minus strand). Cytogenetic location: 15q15.2.
Variant type: single nucleotide variant.
Coding change: c.835G>A on transcript NM_173500.4 (MANE Select); coding-DNA position 835, G replaced by A.
Protein change: p.Val279Met; replaces valine 279 with methionine.
Molecular consequence: missense variant.
Genome position (GRCh38, 1-based): chr15:42,794,789, C>T on the plus strand (G>A on the coding strand, the complement: TTBK2 is on the minus strand). VCF-style: chr15-42794789-C-T. GRCh37 (hg19) VCF-style: chr15-43086987-C-T.
Other names: short protein forms V279M.
Identifiers: ClinVar variation 2908723 (VCV002908723.4), dbSNP rs1436221330, ClinGen allele CA392027114.

ClinVar aggregate classification (germline): Uncertain significance. Review status: criteria provided, multiple submitters, no conflicts (2 of 4 stars). 2 submissions from 2 submitters: Uncertain significance (2). Last evaluated 2025-07-23.

Allele frequency attached by ClinVar (database versions not stated): gnomAD exomes below 0.00001; gnomAD 0.00001; TOPMed 0.00001.
gnomAD v4.1: 7 of 1,613,862 alleles (0.00043%); highest among the groups gnomAD compares: East Asian, 0.0022%; no homozygotes.

Submissions (2):

Athena Diagnostics
Classification: Uncertain significance. Last evaluated: 2025-07-23. Review status: criteria provided, single submitter. Criteria: Athena Diagnostics Criteria. Collection method: clinical testing. Allele origin: unknown.
Comment: Available data are insufficient to determine the clinical significance of the variant at this time. The frequency of this variant in the general population is uninformative in assessment of its pathogenicity. Polyphen and MutationTaster yielded discordant predictions regarding whether this amino acid change is damaging to the protein.

Labcorp Genetics (formerly Invitae), Labcorp
Classification: Uncertain significance. Last evaluated: 2023-05-28. Review status: criteria provided, single submitter. Criteria: Invitae Variant Classification Sherloc (09022015). Collection method: clinical testing. Allele origin: germline.
Comment: This sequence change replaces valine, which is neutral and non-polar, with methionine, which is neutral and non-polar, at codon 279 of the TTBK2 protein (p.Val279Met). This variant is not present in population databases (gnomAD no frequency). In summary, the available evidence is currently insufficient to determine the role of this variant in disease. Therefore, it has been classified as a Variant of Uncertain Significance. This variant has not been reported in the literature in individuals affected with TTBK2-related conditions. Advanced modeling of protein sequence and biophysical properties (such as structural, functional, and spatial information, amino acid conservation, physicochemical variation, residue mobility, and thermodynamic stability) performed at Invitae indicates that this missense variant is expected to disrupt TTBK2 protein function.